The following is an entry in ClinVar:

NM_181523.3(PIK3R1):c.1892G>A (p.Arg631Gln)

Gene: PIK3R1 (phosphoinositide-3-kinase regulatory subunit 1; plus strand). Cytogenetic location: 5q13.1.
Variant type: single nucleotide variant.
Coding change: c.1892G>A on transcript NM_181523.3 (MANE Select); coding-DNA position 1892, G replaced by A.
Protein change: p.Arg631Gln; replaces arginine 631 with glutamine.
Molecular consequence: missense variant.
Genome position (GRCh38, 1-based): chr5:68,296,248, G>A. VCF-style: chr5-68296248-G-A. GRCh37 (hg19) VCF-style: chr5-67592076-G-A.
Other names: NM_181523.3(PIK3R1):c.1892G>A; c.803G>A, p.Arg268Gln (NM_001242466.2); c.1082G>A, p.Arg361Gln (NM_181504.4); c.992G>A, p.Arg331Gln (NM_181524.2); short protein forms R631Q, R268Q, R331Q, R361Q.
Identifiers: ClinVar variation 126459 (VCV000126459.5), dbSNP rs515726149, ClinGen allele CA347796.

ClinVar aggregate classification (germline): Likely pathogenic. Review status: reviewed by expert panel (3 of 4 stars). 4 submissions from 4 submitters: Likely pathogenic (1). 3 of the submissions do not count toward it. Last evaluated 2026-05-19.

Conditions:
PIK3R1-related immunodeficiency and SHORT syndrome. Identifiers: MedGen CN379774, MONDO:1060136.
SHORT syndrome. Also called: SHORT STATURE, HYPEREXTENSIBILITY, HERNIA, OCULAR DEPRESSION, RIEGER ANOMALY, AND TEETHING DELAY; LIPODYSTROPHY, PARTIAL, WITH RIEGER ANOMALY AND SHORT STATURE; PIK3R1-Related SHORT Syndrome. Identifiers: Orphanet 3163, MedGen C0878684, MONDO:0010026, OMIM 269880.

Submissions (4):

ClinGen Primary Immune Regulatory Disorders Variant Curation Expert Panel, ClinGen
Classification: Likely pathogenic for PIK3R1-related immunodeficiency and SHORT syndrome. Last evaluated: 2026-05-19. Review status: reviewed by expert panel. Criteria: ClinGen AbDef ACMG Specifications PIK3R1 V1.0.0. Collection method: curation. Allele origin: germline. Inheritance: Autosomal dominant inheritance.
Comment: NM_181523.3(PIK3R1):c.1892G>A (p.Arg631Gln) is a missense variant causing substitution of arginine by glutamine at amino acid 631. This variant is absent from gnomAD v4.1.0 (PM2_Supporting). This variant has been reported in at least 4 apparently unrelated probands who met the VCEP standard for phenotypic criteria by exceeding 6 phenotypic points with genotyping that did not identify an alternative basis for disease in the PIK3CD gene (PMID: 23810378, PMID: 41001785, PMID: 41001785, PMID: 32546215, PS4). This variant was identified as a de novo occurrence in 1 individual with PIK3R1-related immunodeficiency and SHORT syndrome, with unconfirmed parental relationships. The individual showed low birth height and weight as well as postnatal growth failure (2 pts), relative macrocephaly at birth, facial dysmorphism including protruding forehead, triangular face, micrognathia, deep-set eyes, and low-set ears (2 pts), Rieger abnormality (1 pt), dental delay (1 pt), lipoatrophy (1 pt), inguinal hernia and hyperextensibility of joints (0.5 pts), speech delay (1 pt), and sensorineural deafness, with genotyping by whole exome sequencing and targeted resequencing, which did not identify an alternative basis for disease in the PIK3CD gene (8.5 pts, PMID: 32546215, PS2_Supporting). The computational predictor REVEL gives a score of 0.962, which is above the ClinGen Antibody Deficiencies VCEP threshold of >0.644 and predicts a damaging effect on PIK3R1 function. The computational predictor CADD gives a PHRED score of 32.0, which is above the ClinGen Antibody Deficiencies VCEP threshold of >26.0 and predicts a deleterious effect on PIK3R1 function. The two predictors agree on a damaging effect (PP3). The splicing impact predictor SpliceAI gives a score of 0.02 for acceptor loss, which is below the ClinGen Antibody Deficiencies VCEP recommended threshold of <0.1 and does not predict an impact on splicing. In summary, this variant meets the criteria to be classified as likely pathogenic for autosomal dominant PIK3R1-related immunodeficiency and SHORT syndrome based on the ACMG/AMP criteria applied, as specified by the ClinGen Antibody Deficiencies VCEP: PM2_Supporting, PS4, PS2_Supporting, and PP3. (VCEP specifications version 1.0.0; date of approval 04/29/2026).

Institute of Human Genetics, University of Leipzig Medical Center
Classification: Pathogenic for SHORT syndrome. Last evaluated: 2025-03-04. Review status: criteria provided, single submitter. Criteria: ACMG Guidelines, 2015. Collection method: clinical testing. Allele origin: unknown. Inheritance: Autosomal dominant inheritance. Affected: yes. Not counted in ClinVar's aggregate classification.
Comment: Criteria applied: PM1,PM2,PP2,PP3,PP4,PS2_MOD,PS4_MOD

3billion
Classification: Uncertain significance for SHORT syndrome. Last evaluated: 2023-10-11. Review status: criteria provided, single submitter. Criteria: ACMG Guidelines, 2015. Collection method: clinical testing. Allele origin: germline. Affected: yes. Not counted in ClinVar's aggregate classification.
Comment: The variant is not observed in the gnomAD v2.1.1 dataset. Predicted Consequence/Location: Missense variant In silico tool predictions suggest damaging effect of the variant on gene or gene product [REVEL: 0.96 (>=0.6, sensitivity 0.68 and specificity 0.92)]. Same nucleotide change resulting in same amino acid change has been previously reported to be associated with PIK3R1 related disorder (PMID: 23810378). Therefore, this variant is classified as VUS according to the recommendation of ACMG/AMP guideline.

GeneReviews
No classification provided. Condition: SHORT syndrome. Review status: no classification provided. Collection method: literature only. Allele origin: germline. Affected: yes. Not counted in ClinVar's aggregate classification.

Literature cited by the submitters: PubMed 23810378 (cited by 3billion); NCBI Bookshelf NBK201365 (cited by GeneReviews).